The following continues an entry in ClinVar:

NM_020975.6(RET):c.2753T>C (p.Met918Thr)

Gene: RET. ClinVar aggregate classification (germline): Pathogenic/Likely pathogenic. Pathogenic (37); Likely pathogenic (2). ClinVar aggregate classification (somatic clinical impact): Tier I - Strong.

Submissions 48 to 49 of 49:

Genome Diagnostics Laboratory, University Medical Center Utrecht
Classification: Pathogenic. Review status: no assertion criteria provided. Collection method: clinical testing. Allele origin: germline. Affected: yes. Study: VKGL Data-share Consensus. Not counted in ClinVar's aggregate classification.

Joint Genome Diagnostic Labs from Nijmegen and Maastricht, Radboudumc and MUMC+
Classification: Pathogenic. Review status: no assertion criteria provided. Collection method: clinical testing. Allele origin: germline. Affected: yes. Study: VKGL Data-share Consensus. Not counted in ClinVar's aggregate classification.

Literature cited by the submitters: PubMed 7906417 (cited by 11 submitters); PubMed 8918855 (cited by 4 submitters); PubMed 16715139 (cited by 5 submitters); PubMed 20516206 (cited by 3 submitters); PubMed 27539324 (cited by Labcorp Genetics (formerly Invitae), Labcorp and Athena Diagnostics); PubMed 8570194 (cited by 5 submitters); PubMed 9242375 (cited by 7 submitters); PubMed 21810974 (cited by 6 submitters); PubMed 25810047 (cited by 3 submitters); PubMed 26084817 (cited by Ambry Genetics and Athena Diagnostics); PubMed 10679286 (cited by 3 submitters); PubMed 32546069 (cited by Center for Genomic Medicine, Rigshospitalet, Copenhagen University Hospital); PubMed 34629742 (cited by Center for Genomic Medicine, Rigshospitalet, Copenhagen University Hospital and Myriad Genetics, Inc.); PubMed 7906866 (cited by 4 submitters); PubMed 7911697 (cited by Institute for Genomic Medicine (IGM) Clinical Laboratory, Nationwide Children's Hospital and Athena Diagnostics); PubMed 31510104 (cited by Institute for Genomic Medicine (IGM) Clinical Laboratory, Nationwide Children's Hospital and Sema4); PubMed 19177457 (cited by Institute for Genomic Medicine (IGM) Clinical Laboratory, Nationwide Children's Hospital); PubMed 9620546 (cited by Department of Pathology and Laboratory Medicine, Sinai Health System and OMIM); PubMed 7824936 (cited by Department of Pathology and Laboratory Medicine, Sinai Health System and OMIM); PubMed 29656518 (cited by Myriad Genetics, Inc.); PubMed 34881033 (cited by Myriad Genetics, Inc.); PubMed 17895320 (cited by Women's Health and Genetics/Laboratory Corporation of America, LabCorp); PubMed 17963006 (cited by Sema4); PubMed 30660595 (cited by Sema4); PubMed 28873162 (cited by Department of Pediatrics, Memorial Sloan Kettering Cancer Center); PubMed 27807060 (cited by Athena Diagnostics); PubMed 8595427 (cited by Athena Diagnostics); PubMed 18252215 (cited by Athena Diagnostics); PubMed 11351254 (cited by Athena Diagnostics); PubMed 22233172 (cited by Athena Diagnostics); PubMed 21253810 (cited by Athena Diagnostics); PubMed 18073307 (cited by Athena Diagnostics); PubMed 10369718 (cited by Athena Diagnostics); PubMed 8797874 (cited by Athena Diagnostics); PubMed 22992277 (cited by Athena Diagnostics); PubMed 22676344 (cited by Athena Diagnostics); PubMed 18209889 (cited by Athena Diagnostics); PubMed 22359510 (cited by Athena Diagnostics and Baylor Genetics); PubMed 22199277 (cited by Athena Diagnostics); PubMed 19041016 (cited by Athena Diagnostics); PubMed 21765987 (cited by Athena Diagnostics and Baylor Genetics); PubMed 17540634 (cited by Baylor Genetics); PubMed 19169500 (cited by Baylor Genetics); PubMed 23660872 (cited by Baylor Genetics); PubMed 24336963 (cited by Baylor Genetics); PubMed 17108110 (cited by 3DMed Clinical Laboratory Inc); PubMed 10445857 (cited by 3DMed Clinical Laboratory Inc); PubMed 15277225 (cited by 3DMed Clinical Laboratory Inc); PubMed 7977365 (cited by OMIM); PubMed 8782503 (cited by OMIM); PubMed 3078962 (cited by OMIM); PubMed 2660074 (cited by OMIM); PubMed 7845675 (cited by OMIM); PubMed 7536460 (cited by OMIM).